The following is an entry in ClinVar:

NM_031418.4(ANO3):c.2321T>C (p.Leu774Pro)

Gene: ANO3 (anoctamin 3; plus strand). Cytogenetic location: 11p14.2.
Variant type: single nucleotide variant.
Coding change: c.2321T>C on transcript NM_031418.4 (MANE Select); coding-DNA position 2321, T replaced by C.
Protein change: p.Leu774Pro; replaces leucine 774 with proline.
Molecular consequence: missense variant.
Genome position (GRCh38, 1-based): chr11:26,643,227, T>C. VCF-style: chr11-26643227-T-C. GRCh37 (hg19) VCF-style: chr11-26664774-T-C.
Other names: c.2504T>C, p.Leu835Pro (NM_001313726.2); c.1883T>C, p.Leu628Pro (NM_001313727.2); short protein forms L628P, L774P, L835P.
Identifiers: ClinVar variation 4777978 (VCV004777978.1).

ClinVar aggregate classification (germline): Uncertain significance (1 of 4 stars; one submission).

Conditions:
Dystonic disorder. Also called: Dystonia. Identifiers: MedGen C0013421, MONDO:0003441, HP:0001332.

gnomAD v4.1: 1 of 1,614,218 alleles (0.000062%); highest among the groups gnomAD compares: Non-Finnish European, 0.000085%; no homozygotes.

Submission:

Labcorp Genetics (formerly Invitae), Labcorp
Classification: Uncertain significance for Dystonic disorder. Last evaluated: 2025-10-29. Review status: criteria provided, single submitter. Criteria: Invitae Variant Classification Sherloc (09022015). Collection method: clinical testing. Allele origin: germline.
Comment: This sequence change replaces leucine, which is neutral and non-polar, with proline, which is neutral and non-polar, at codon 774 of the ANO3 protein (p.Leu774Pro). This variant is not present in population databases (gnomAD no frequency). This variant has not been reported in the literature in individuals affected with ANO3-related conditions. Invitae Evidence Modeling of protein sequence and biophysical properties (such as structural, functional, and spatial information, amino acid conservation, physicochemical variation, residue mobility, and thermodynamic stability) has been performed for this missense variant. However, the output from this modeling did not meet the statistical confidence thresholds required to predict the impact of this variant on ANO3 protein function. In summary, the available evidence is currently insufficient to determine the role of this variant in disease. Therefore, it has been classified as a Variant of Uncertain Significance.